The following is an entry in ClinVar:

NM_000169.3(GLA):c.196G>A (p.Glu66Lys)

Genes: GLA (galactosidase alpha; minus strand), RPL36A-HNRNPH2 (RPL36A-HNRNPH2 readthrough; plus strand). Cytogenetic location: Xq22.1.
Variant type: single nucleotide variant.
Coding change: c.196G>A on transcript NM_000169.3 (MANE Select); coding-DNA position 196, G replaced by A.
Protein change: p.Glu66Lys; replaces glutamic acid 66 with lysine.
Molecular consequence: missense variant. On other transcripts: non-coding transcript variant (3), intron variant (2).
Genome position (GRCh38, 1-based): chrX:101,403,984, C>T on the plus strand (G>A on the coding strand, the complement: GLA is on the minus strand). VCF-style: chrX-101403984-C-T. GRCh37 (hg19) VCF-style: chrX-100658972-C-T.
Other names: c.319G>A, p.Glu107Lys (NM_001406747.1, NM_001406749.1); c.196G>A, p.Glu66Lys (NM_001406748.1); c.301-7952C>T (NM_001199973.2); c.178-7952C>T (NM_001199974.2); short protein forms E107K, E66K.
Identifiers: ClinVar variation 4087298 (VCV004087298.2).
Genomic context (GRCh38, chrX:101,403,984, plus strand): 5'-AACCTGCATCCTTCCAGCCTTCTGAGACCATGAGCTCTGCCATCTCCATGAAGAGCTTCT[C>T]ACTGAAAGAGAAATTCCAATAATCATTACAATTCATTAAATGAACACTTAGGTACCTCCC-3'
Protein context (NP_000160.1, residues 56-76): CQEEPDSCIS[Glu66Lys]KLFMEMAELM

ClinVar aggregate classification (germline): Likely pathogenic (1 of 4 stars; one submission).

Conditions:
Fabry disease. Also called: ALPHA-GALACTOSIDASE A DEFICIENCY; ANDERSON-FABRY DISEASE; CERAMIDE TRIHEXOSIDASE DEFICIENCY; GLA DEFICIENCY; HEREDITARY DYSTOPIC LIPIDOSIS; Angiokeratoma corporis diffusum. Identifiers: Orphanet 324, MedGen C0002986, MONDO:0010526, OMIM 301500, HP:0001071. Disease mechanism: Fabry disease is due to inactivating mutations in the X-linked GLA gene resulting in deficiency of the enzyme Alpha Galactosidase-A., loss of function.

Submission:

Genomenon, Inc
Classification: Likely pathogenic for Fabry disease. Last evaluated: 2026-09-08. Review status: criteria provided, single submitter. Criteria: Genomenon Sequence Variant Interpretation Standards - Updated. Collection method: curation. Allele origin: germline. Affected: yes.
Comment: GLA p.Glu66Lys (c.196G>A) is a missense variant that changes the amino acid at codon 66 from Glutamic acid to Lysine. This variant has been observed in at least one proband with clinical features consistent with Fabry disease (PMID:28682471;17187618;39980015). At least one functional study has demonstrated a substantial alteration in protein function relative to the wild-type (PMID:27657681). It is absent or not present at a significant frequency in gnomAD. In silico models predict that this variant is possibly or probably damaging. In conclusion, we classify GLA p.Glu66Lys (c.196G>A) as a likely pathogenic variant.

Literature cited by the submitters: PubMed 28682471; PubMed 17187618; PubMed 39980015; PubMed 27657681.